The following is an entry in ClinVar:

ClinVar aggregate classification (germline): Pathogenic (1 of 4 stars; one submission).

Submission:

GeneDx
Classification: Pathogenic. Last evaluated: 2021-12-11. Review status: criteria provided, single submitter. Criteria: GeneDx Variant Classification Process June 2021. Collection method: clinical testing. Allele origin: germline. Affected: yes.
Comment: Frameshift variant predicted to result in protein truncation or nonsense mediated decay in a gene for which loss-of-function is a known mechanism of disease; Not observed in large population cohorts (Lek et al., 2016); Has not been previously published as pathogenic or benign to our knowledge

NM_001374828.1(ARID1B):c.3857del (p.Pro1286fs)

Gene: ARID1B (AT-rich interaction domain 1B; plus strand). Cytogenetic location: 6q25.3.
Variant type: Deletion.
Coding change: c.3857del on transcript NM_001374828.1 (MANE Select); coding-DNA position 3857, one base deleted (C; older notation c.3857delC).
Protein change: p.Pro1286fs; shifts the reading frame from proline 1286.
Molecular consequence: frameshift variant.
Genome position (GRCh38, 1-based): chr6:157,184,373, C deleted; the last of 5 consecutive C bases (chr6:157,184,369-157,184,373); deleting any one gives the same sequence. VCF-style (leftmost placement, unchanged base first): chr6-157184368-GC-G. GRCh37 (hg19) VCF-style: chr6-157505502-GC-G.
Other names: c.3488del (NM_020732.3); c.1358del, p.Pro453fs (NM_001363725.2); c.3737del, p.Pro1246fs (NM_001371656.1, NM_001374820.1); c.3698del, p.Pro1233fs (NM_017519.3); short protein forms P1233fs, P1246fs, P1286fs, P453fs.
Identifiers: ClinVar variation 1327859 (VCV001327859.2), dbSNP rs2128325633, ClinGen allele CA2551270749.
Genomic context (GRCh38, chr6:157,184,368, plus strand): 5'-GAAAAAGCAGTATATTCAGTACCTGTTTGCCTTTGAGTGCAAGATCGAACGTGGGGAGGA[GC>G]CCCCGCCGGAAGTCTTCAGCACCGGGGACACCAAAAAGCAGCCCAAGCTCCAGCCGCCAT-3'